The following is an entry in ClinVar:

NM_001080508.3(TBX18):c.79G>C (p.Gly27Arg)

Gene: TBX18 (T-box transcription factor 18; minus strand). Cytogenetic location: 6q14.3.
Variant type: single nucleotide variant.
Coding change: c.79G>C on transcript NM_001080508.3 (MANE Select); coding-DNA position 79, G replaced by C.
Protein change: p.Gly27Arg; replaces glycine 27 with arginine.
Molecular consequence: missense variant.
Genome position (GRCh38, 1-based): chr6:84,764,103, C>G on the plus strand (G>C on the coding strand, the complement: TBX18 is on the minus strand). VCF-style: chr6-84764103-C-G. GRCh37 (hg19) VCF-style: chr6-85473821-C-G.
Other names: short protein forms G27R.
Identifiers: ClinVar variation 3614329 (VCV003614329.2).

ClinVar aggregate classification (germline): Uncertain significance (1 of 4 stars; one submission).

gnomAD v4.1: 7 of 1,586,216 alleles (0.00044%); highest among the groups gnomAD compares: Admixed American, 0.0017%; no homozygotes.

Submission:

Labcorp Genetics (formerly Invitae), Labcorp
Classification: Uncertain significance. Last evaluated: 2024-08-15. Review status: criteria provided, single submitter. Criteria: Invitae Variant Classification Sherloc (09022015). Collection method: clinical testing. Allele origin: germline.
Comment: This sequence change replaces glycine, which is neutral and non-polar, with arginine, which is basic and polar, at codon 27 of the TBX18 protein (p.Gly27Arg). This variant is not present in population databases (gnomAD no frequency). This variant has not been reported in the literature in individuals affected with TBX18-related conditions. An algorithm developed to predict the effect of missense changes on protein structure and function (PolyPhen-2) suggests that this variant is likely to be disruptive. In summary, the available evidence is currently insufficient to determine the role of this variant in disease. Therefore, it has been classified as a Variant of Uncertain Significance.